The following is an entry in ClinVar:

ClinVar aggregate classification (germline): Likely benign (1 of 4 stars; one submission).

Allele frequency attached by ClinVar (database versions not stated): gnomAD 0.00002 and 0.00003; gnomAD exomes 0.00002 and 0.00004; TOPMed 0.00002; ExAC 0.00003.
gnomAD v4.1: 31 of 1,611,084 alleles (0.0019%); highest among the groups gnomAD compares: South Asian, 0.0099%; no homozygotes.

Submission:

GeneDx
Classification: Likely benign. Last evaluated: 2016-09-19. Review status: criteria provided, single submitter. Criteria: GeneDx Variant Classification (06012015). Collection method: clinical testing. Allele origin: germline. Affected: yes.
Comment: This variant is considered likely benign or benign based on one or more of the following criteria: it is a conservative change, it occurs at a poorly conserved position in the protein, it is predicted to be benign by multiple in silico algorithms, and/or has population frequency not consistent with disease.

NM_000142.5(FGFR3):c.1645+17C>T

Gene: FGFR3 (fibroblast growth factor receptor 3; plus strand). Cytogenetic location: 4p16.3.
Variant type: single nucleotide variant.
Coding change: c.1645+17C>T on transcript NM_000142.5 (MANE Select); 17 bases into the intron after coding-DNA position 1645, C replaced by T.
Molecular consequence: intron variant.
Genome position (GRCh38, 1-based): chr4:1,805,686, C>T. VCF-style: chr4-1805686-C-T. GRCh37 (hg19) VCF-style: chr4-1807413-C-T.
Other names: c.1651+17C>T (NM_001163213.2); c.1648+17C>T (NM_001354809.2, NM_001354810.2); c.1309+17C>T (NM_022965.4).
Identifiers: ClinVar variation 389470 (VCV000389470.1), dbSNP rs765768657, ClinGen allele CA2810502.